The following is an entry in ClinVar:

ClinVar aggregate classification (germline): Uncertain significance (1 of 4 stars; one submission).

Submission:

Ambry Genetics
Classification: Uncertain significance. Last evaluated: 2024-08-19. Review status: criteria provided, single submitter. Criteria: Ambry Variant Classification Scheme 2023. Collection method: clinical testing. Allele origin: germline.
Comment: The p.I471L variant (also known as c.1411A>C), located in coding exon 13 of the BUB1 gene, results from an A to C substitution at nucleotide position 1411. The isoleucine at codon 471 is replaced by leucine, an amino acid with highly similar properties. This amino acid position is conserved. In addition, this alteration is predicted to be tolerated by in silico analysis. Based on the available evidence, the clinical significance of this variant remains unclear.

NM_004336.5(BUB1):c.1411A>C (p.Ile471Leu)

Gene: BUB1 (BUB1 mitotic checkpoint serine/threonine kinase; minus strand). Cytogenetic location: 2q13.
Variant type: single nucleotide variant.
Coding change: c.1411A>C on transcript NM_004336.5 (MANE Select); coding-DNA position 1411, A replaced by C.
Protein change: p.Ile471Leu; replaces isoleucine 471 with leucine.
Molecular consequence: missense variant.
Genome position (GRCh38, 1-based): chr2:110,658,515, T>G on the plus strand (A>C on the coding strand, the complement: BUB1 is on the minus strand). VCF-style: chr2-110658515-T-G. GRCh37 (hg19) VCF-style: chr2-111416092-T-G.
Other names: c.1351A>C, p.Ile451Leu (NM_001278616.2); c.1411A>C, p.Ile471Leu (NM_001278617.2); short protein forms I471L, I451L.
Identifiers: ClinVar variation 3483046 (VCV003483046.1).